The following is an entry in ClinVar:

ClinVar aggregate classification (germline): Uncertain significance (1 of 4 stars; one submission).

Conditions:
Hereditary cancer-predisposing syndrome. Also called: Tumor predisposition; Hereditary Cancer Syndrome; Hereditary neoplastic syndrome; Neoplastic Syndromes, Hereditary. Identifiers: Orphanet 140162, MedGen C0027672, MeSH D009386, MONDO:0015356.

Allele frequency attached by ClinVar (database versions not stated): gnomAD exomes below 0.00001.
gnomAD v4.1: 1 of 1,614,210 alleles (0.000062%); highest among the groups gnomAD compares: Non-Finnish European, 0.000085%; no homozygotes.

Submission:

Ambry Genetics
Classification: Uncertain significance for Hereditary cancer-predisposing syndrome. Last evaluated: 2026-05-07. Review status: criteria provided, single submitter. Criteria: Ambry Variant Classification Scheme 2023. Collection method: clinical testing. Allele origin: germline.
Comment: The p.Y192H variant (also known as c.574T>C), located in coding exon 5 of the TSC1 gene, results from a T to C substitution at nucleotide position 574. The tyrosine at codon 192 is replaced by histidine, an amino acid with similar properties. This amino acid position is highly conserved in available vertebrate species. In addition, this alteration is predicted to be deleterious by in silico analysis. Based on the available evidence, the clinical significance of this variant remains unclear.

NM_000368.5(TSC1):c.574T>C (p.Tyr192His)

Gene: TSC1 (TSC complex subunit 1; minus strand). Cytogenetic location: 9q34.13.
Variant type: single nucleotide variant.
Coding change: c.574T>C on transcript NM_000368.5 (MANE Select); coding-DNA position 574, T replaced by C.
Protein change: p.Tyr192His; replaces tyrosine 192 with histidine.
Molecular consequence: missense variant.
Genome position (GRCh38, 1-based): chr9:132,921,908, A>G on the plus strand (T>C on the coding strand, the complement: TSC1 is on the minus strand). VCF-style: chr9-132921908-A-G. GRCh37 (hg19) VCF-style: chr9-135797295-A-G.
Other names: c.574T>C, p.Tyr192His (NM_001162426.2); c.421T>C, p.Tyr141His (NM_001162427.2); c.211T>C, p.Tyr71His (NM_001362177.2); short protein forms Y192H, Y141H, Y71H.
Identifiers: ClinVar variation 186282 (VCV000186282.6), dbSNP rs786202831, ClinGen allele CA007798.